The following is an entry in ClinVar:

ClinVar aggregate classification (germline): Likely pathogenic (1 of 4 stars; one submission).

Conditions:
Polycystic kidney disease, adult type (PKD1). Also called: POLYCYSTIC KIDNEY DISEASE, ADULT, TYPE I; POLYCYSTIC KIDNEY DISEASE 1 WITH OR WITHOUT POLYCYSTIC LIVER DISEASE; Polycystic Kidney Disease 1, Autosomal Dominant; Polycystic kidney disease 1; Polycystic kidney disease 1, severe; Polycystic Kidney, Autosomal Dominant. Identifiers: MedGen C3149841, MONDO:0008263, OMIM 173900.

gnomAD v4.1: 60 of 1,609,446 alleles (0.0037%); highest among the groups gnomAD compares: East Asian, 0.13%; no homozygotes.

Submission:

Department of Pediatrics, Jeonbuk National University Hospital
Classification: Likely pathogenic for Polycystic kidney disease, adult type. Review status: criteria provided, single submitter. Criteria: ACMG Guidelines, 2015. Collection method: clinical testing. Allele origin: germline. Inheritance: Autosomal dominant inheritance. Affected: yes. Observed: 1 variant allele, 1 compound heterozygote.
Comment: This non-truncating missense variant (p.Phe1292Leu) affects a highly conserved residue within the PKD domain (amino acids 1289-1775) of polycystin-1, a critical region for protein-protein interactions and proper polycystin complex assembly. This segregation pattern is consistent with a hypomorphic allele that retains partial function when present alone but contributes to severe disease when in trans with a null allele. The variant is absent from the gnomAD database (v2.1.1 and v3.1.2). Based on the severe compound heterozygous phenotype, location in a critical functional domain, absence from population databases, and segregation data, this variant is classified as a hypomorphic allele. Classification: Likely pathogenic (PM2, PP1, PP3, PS3-supporting).

NM_001009944.3(PKD1):c.3876C>A (p.Phe1292Leu)

Gene: PKD1 (polycystin 1, transient receptor potential channel interacting; minus strand). Cytogenetic location: 16p13.3.
Variant type: single nucleotide variant.
Coding change: c.3876C>A on transcript NM_001009944.3 (MANE Select); coding-DNA position 3876, C replaced by A.
Protein change: p.Phe1292Leu; replaces phenylalanine 1292 with leucine.
Molecular consequence: missense variant.
Genome position (GRCh38, 1-based): chr16:2,111,291, G>T on the plus strand (C>A on the coding strand, the complement: PKD1 is on the minus strand). VCF-style: chr16-2111291-G-T. GRCh37 (hg19) VCF-style: chr16-2161292-G-T.
Other names: c.3876C>A, p.Phe1292Leu (NM_000296.4); short protein forms F1292L.
Identifiers: ClinVar variation 4820649 (VCV004820649.1).